The following is an entry in ClinVar:

ClinVar aggregate classification (germline): Uncertain significance. Review status: criteria provided, multiple submitters, no conflicts (2 of 4 stars). 2 submissions from 2 submitters: Uncertain significance (2). Last evaluated 2025-03-04.

Conditions:
Myopathy, proximal, and ophthalmoplegia (CMYO6). Also called: MYOPATHY WITH CONGENITAL JOINT CONTRACTURES, OPHTHALMOPLEGIA, AND RIMMED VACUOLES; CONGENITAL MYOPATHY 6 WITH OPHTHALMOPLEGIA; INCLUSION BODY MYOPATHY 3, AUTOSOMAL DOMINANT. Identifiers: Orphanet 363677, Orphanet 79091, MedGen C1854106, MONDO:0011577, OMIM 605637.

Allele frequency attached by ClinVar (database versions not stated): TOPMed below 0.00001.
gnomAD v4.1: 13 of 1,614,172 alleles (0.00081%); highest among the groups gnomAD compares: South Asian, 0.0022%; no homozygotes.

Submissions (2):

Labcorp Genetics (formerly Invitae), Labcorp
Classification: Uncertain significance for Myopathy, proximal, and ophthalmoplegia. Last evaluated: 2025-03-04. Review status: criteria provided, single submitter. Criteria: Invitae Variant Classification Sherloc (09022015). Collection method: clinical testing. Allele origin: germline.
Comment: This sequence change replaces arginine, which is basic and polar, with tryptophan, which is neutral and slightly polar, at codon 1695 of the MYH2 protein (p.Arg1695Trp). This variant is not present in population databases (gnomAD no frequency). This variant has not been reported in the literature in individuals affected with MYH2-related conditions. ClinVar contains an entry for this variant (Variation ID: 3234587). Invitae Evidence Modeling of protein sequence and biophysical properties (such as structural, functional, and spatial information, amino acid conservation, physicochemical variation, residue mobility, and thermodynamic stability) indicates that this missense variant is expected to disrupt MYH2 protein function with a positive predictive value of 80%. In summary, the available evidence is currently insufficient to determine the role of this variant in disease. Therefore, it has been classified as a Variant of Uncertain Significance.

CeGaT Center for Human Genetics Tuebingen
Classification: Uncertain significance. Last evaluated: 2024-04-01. Review status: criteria provided, single submitter. Criteria: CeGaT Center For Human Genetics Tuebingen Variant Classification Criteria Version 2. Collection method: clinical testing. Allele origin: germline. Affected: yes. Observed: 1 variant allele.
Comment: MYH2: PM2

NM_017534.6(MYH2):c.5083C>T (p.Arg1695Trp)

Genes: MYH2 (myosin heavy chain 2; minus strand), MYHAS (myosin heavy chain gene cluster antisense RNA; plus strand), LOC126862500 (BRD4-independent group 4 enhancer GRCh37_chr17:10427829-10429028; plus strand). Cytogenetic location: 17p13.1.
Variant type: single nucleotide variant.
Coding change: c.5083C>T on transcript NM_017534.6 (MANE Select); coding-DNA position 5083, C replaced by T.
Protein change: p.Arg1695Trp; replaces arginine 1695 with tryptophan.
Molecular consequence: missense variant.
Genome position (GRCh38, 1-based): chr17:10,524,558, G>A on the plus strand (C>T on the coding strand, the complement: MYH2 is on the minus strand). VCF-style: chr17-10524558-G-A. GRCh37 (hg19) VCF-style: chr17-10427875-G-A.
Other names: c.5083C>T, p.Arg1695Trp (NM_001100112.2); short protein forms R1695W.
Identifiers: ClinVar variation 3234587 (VCV003234587.21), dbSNP rs2073324639, ClinGen allele CA398119358.